The following is an entry in ClinVar:

NM_001136213.1(POTEH):c.1485G>A (p.Gln495=)

Gene: POTEH (POTE ankyrin domain family member H; plus strand). Cytogenetic location: 22q11.1.
Variant type: single nucleotide variant.
Coding change: c.1485G>A on transcript NM_001136213.1 (MANE Select); coding-DNA position 1485, G replaced by A.
Protein change: p.Gln495=; no amino-acid change (glutamine 495 retained).
Molecular consequence: synonymous variant.
Genome position (GRCh38, 1-based): chr22:15,710,999, G>A. VCF-style: chr22-15710999-G-A. GRCh37 (hg19) VCF-style: chr22-16266964-C-T.
Identifiers: ClinVar variation 2652837 (VCV002652837.24), dbSNP rs10154680, ClinGen allele CA10084088.

ClinVar aggregate classification (germline): Likely benign (1 of 4 stars; one submission).

Allele frequency attached by ClinVar (database versions not stated): ExAC 0.00075; 1000 Genomes Project 30x 0.01265.

Submission:

CeGaT Center for Human Genetics Tuebingen
Classification: Likely benign. Last evaluated: 2022-05-01. Review status: criteria provided, single submitter. Criteria: CeGaT Center For Human Genetics Tuebingen Variant Classification Criteria Version 2. Collection method: clinical testing. Allele origin: germline. Affected: yes. Observed: 1 variant allele.
Comment: POTEH: BP4, BP7